The following is an entry in ClinVar:

ClinVar aggregate classification (germline): Pathogenic (1 of 4 stars; one submission).

Submission:

GeneDx
Classification: Pathogenic. Last evaluated: 2016-12-30. Review status: criteria provided, single submitter. Criteria: GeneDx Variant Classification (06012015). Collection method: clinical testing. Allele origin: germline. Affected: yes.
Comment: The C643X variant in the KCNH2 gene has not been reported as a pathogenic or benign variant to our knowledge; however, C643X is predicted to cause loss of normal protein function either by protein truncation or nonsense-mediated mRNA decay. Many other nonsense variants in the KCNH2 gene have been reported in HGMD in association with LQTS (Stenson et al., 2014). Furthermore, the C643X pathogenic variant was not observed in either the Exome Aggregation Consortium or approximately 6,500 individuals of European and African American ancestry in the NHLBI Exome Sequencing Project, indicating it is not a common benign variant in these populations. In summary, C643X in the KCNH2 gene is interpreted as a pathogenic variant.

NM_000238.4(KCNH2):c.1929C>A (p.Cys643Ter)

Gene: KCNH2 (potassium voltage-gated channel subfamily H member 2; minus strand). Cytogenetic location: 7q36.1.
Variant type: single nucleotide variant.
Coding change: c.1929C>A on transcript NM_000238.4 (MANE Select); coding-DNA position 1929, C replaced by A.
Protein change: p.Cys643Ter; replaces cysteine 643 with a stop codon.
Molecular consequence: nonsense.
Genome position (GRCh38, 1-based): chr7:150,951,464, G>T on the plus strand (C>A on the coding strand, the complement: KCNH2 is on the minus strand). VCF-style: chr7-150951464-G-T. GRCh37 (hg19) VCF-style: chr7-150648552-G-T.
Other names: c.909C>A, p.Cys303Ter (NM_001204798.2, NM_172057.3); c.1641C>A, p.Cys547Ter (NM_001406753.1, NM_001406756.1); c.1752C>A, p.Cys584Ter (NM_001406755.1); c.1629C>A, p.Cys543Ter (NM_001406757.1); c.1929C>A, p.Cys643Ter (NM_172056.3); short protein forms C303*, C643*, C547*, C584*, C543*.
Identifiers: ClinVar variation 392341 (VCV000392341.4), dbSNP rs755698372, ClinGen allele CA16605164.